The following is an entry in ClinVar:

NM_198334.3(GANAB):c.1335C>G (p.Arg445=)

Gene: GANAB (glucosidase II alpha subunit; minus strand). Cytogenetic location: 11q12.3.
Variant type: single nucleotide variant.
Coding change: c.1335C>G on transcript NM_198334.3 (MANE Select); coding-DNA position 1335, C replaced by G.
Protein change: p.Arg445=; no amino-acid change (arginine 445 retained).
Molecular consequence: synonymous variant.
Genome position (GRCh38, 1-based): chr11:62,630,652, G>C on the plus strand (C>G on the coding strand, the complement: GANAB is on the minus strand). VCF-style: chr11-62630652-G-C. GRCh37 (hg19) VCF-style: chr11-62398124-G-C.
Other names: c.1401C>G (NM_198335.3); c.1059C>G, p.Arg353= (NM_001278192.2); c.993C>G, p.Arg331= (NM_001278193.2); c.1044C>G, p.Arg348= (NM_001278194.2, NM_001329222.2, NM_001329223.2); c.612C>G, p.Arg204= (NM_001329224.2, NM_001329225.2); c.1401C>G, p.Arg467= (NM_198335.4).
Identifiers: ClinVar variation 2727245 (VCV002727245.5), dbSNP rs375056140, ClinGen allele CA6050813.

ClinVar aggregate classification (germline): Likely benign. Review status: criteria provided, single submitter (1 of 4 stars). 2 submissions from 2 submitters: Likely benign (1). 1 of the submissions does not count toward it. Last evaluated 2024-01-22.

Conditions:
GANAB-related disorder. Also called: GANAB-related condition.

Allele frequency attached by ClinVar (database versions not stated): TOPMed 0.00003; gnomAD 0.00005; ESP Exome Variant Server 0.00008; ExAC 0.00002.

Submissions (2):

Labcorp Genetics (formerly Invitae), Labcorp
Classification: Likely benign. Last evaluated: 2024-01-22. Review status: criteria provided, single submitter. Criteria: Invitae Variant Classification Sherloc (09022015). Collection method: clinical testing. Allele origin: germline.

PreventionGenetics, part of Exact Sciences
Classification: Likely benign for GANAB-related condition. Last evaluated: 2021-05-07. Review status: no assertion criteria provided. Collection method: clinical testing. Allele origin: germline. Not counted in ClinVar's aggregate classification.
Comment: This variant is classified as likely benign based on ACMG/AMP sequence variant interpretation guidelines (Richards et al. 2015 PMID: 25741868, with internal and published modifications).